The following is an entry in ClinVar:

NM_014014.5(SNRNP200):c.1405A>G (p.Lys469Glu)

Gene: SNRNP200 (small nuclear ribonucleoprotein U5 subunit 200; minus strand). Cytogenetic location: 2q11.2.
Variant type: single nucleotide variant.
Coding change: c.1405A>G on transcript NM_014014.5 (MANE Select); coding-DNA position 1405, A replaced by G.
Protein change: p.Lys469Glu; replaces lysine 469 with glutamic acid.
Molecular consequence: missense variant.
Genome position (GRCh38, 1-based): chr2:96,297,043, T>C on the plus strand (A>G on the coding strand, the complement: SNRNP200 is on the minus strand). VCF-style: chr2-96297043-T-C. GRCh37 (hg19) VCF-style: chr2-96962781-T-C.
Other names: short protein forms K469E.
Identifiers: ClinVar variation 801733 (VCV000801733.6), dbSNP rs933842186, ClinGen allele CA52401837.

ClinVar aggregate classification (germline): Conflicting classifications of pathogenicity. Review status: criteria provided, conflicting classifications (1 of 4 stars). 2 submissions from 2 submitters: Likely pathogenic (1); Uncertain significance (1). Last evaluated 2023-07-17.

Conditions:
Retinitis pigmentosa (RP). Identifiers: Orphanet 791, MedGen C0035334, MeSH D012174, MONDO:0019200, OMIM 268000. Inheritance: Autosomal dominant, autosomal recessive and X linked inheritance.

Submissions (2):

Labcorp Genetics (formerly Invitae), Labcorp
Classification: Uncertain significance. Last evaluated: 2023-07-17. Review status: criteria provided, single submitter. Criteria: Invitae Variant Classification Sherloc (09022015). Collection method: clinical testing. Allele origin: germline.
Comment: This variant has not been reported in the literature in individuals affected with SNRNP200-related conditions. In summary, the available evidence is currently insufficient to determine the role of this variant in disease. Therefore, it has been classified as a Variant of Uncertain Significance. Advanced modeling of protein sequence and biophysical properties (such as structural, functional, and spatial information, amino acid conservation, physicochemical variation, residue mobility, and thermodynamic stability) performed at Invitae indicates that this missense variant is not expected to disrupt SNRNP200 protein function. ClinVar contains an entry for this variant (Variation ID: 801733). This variant is not present in population databases (gnomAD no frequency). This sequence change replaces lysine, which is basic and polar, with glutamic acid, which is acidic and polar, at codon 469 of the SNRNP200 protein (p.Lys469Glu).

Mendelics
Classification: Likely pathogenic for Retinitis pigmentosa. Last evaluated: 2019-05-28. Review status: criteria provided, single submitter. Criteria: Mendelics Assertion Criteria 2017. Collection method: clinical testing. Allele origin: unknown.